The following is an entry in ClinVar:

NM_001270974.2(HYDIN):c.1229A>C (p.Glu410Ala)

Gene: HYDIN (HYDIN axonemal central pair apparatus protein; minus strand). Cytogenetic location: 16q22.2.
Variant type: single nucleotide variant.
Coding change: c.1229A>C on transcript NM_001270974.2 (MANE Select); coding-DNA position 1229, A replaced by C.
Protein change: p.Glu410Ala; replaces glutamic acid 410 with alanine.
Molecular consequence: missense variant.
Genome position (GRCh38, 1-based): chr16:71,115,794, T>G on the plus strand (A>C on the coding strand, the complement: HYDIN is on the minus strand). VCF-style: chr16-71115794-T-G. GRCh37 (hg19) VCF-style: chr16-71149697-T-G.
Other names: c.1310A>C, p.Glu437Ala (NM_001198542.1); c.1280A>C, p.Glu427Ala (NM_001198543.1); c.1229A>C, p.Glu410Ala (NM_017558.5); short protein forms E410A, E427A, E437A.
Identifiers: ClinVar variation 3859171 (VCV003859171.2).

ClinVar aggregate classification (germline): Uncertain significance. Review status: criteria provided, multiple submitters, no conflicts (2 of 4 stars). 2 submissions from 2 submitters: Uncertain significance (2). Last evaluated 2025-02-12.

Conditions:
Inborn genetic diseases. Identifiers: MedGen C0950123, MeSH D030342.

gnomAD v4.1: 11 of 778,682 alleles (0.0014%); highest among the groups gnomAD compares: Admixed American, 0.023%; no homozygotes.

Submissions (2):

Ambry Genetics
Classification: Uncertain significance for Inborn genetic diseases. Last evaluated: 2025-02-12. Review status: criteria provided, single submitter. Criteria: Ambry Variant Classification Scheme 2023. Collection method: clinical testing. Allele origin: germline.

GeneDx
Classification: Uncertain significance. Last evaluated: 2024-11-01. Review status: criteria provided, single submitter. Criteria: GeneDx Variant Classification Process June 2021. Collection method: clinical testing. Allele origin: germline. Affected: yes.
Comment: In silico analysis supports that this missense variant has a deleterious effect on protein structure/function; Has not been previously published as pathogenic or benign to our knowledge